The following is an entry in ClinVar:

ClinVar aggregate classification (germline): Uncertain significance. Review status: criteria provided, multiple submitters, no conflicts (2 of 4 stars). 4 submissions from 4 submitters: Uncertain significance (4). Last evaluated 2025-05-12.

Conditions:
Inborn genetic diseases. Identifiers: MedGen C0950123, MeSH D030342.

Allele frequency attached by ClinVar (database versions not stated): TOPMed 0.00001.
gnomAD v4.1: 17 of 1,613,822 alleles (0.0011%); highest among the groups gnomAD compares: African/African-American, 0.0013%; no homozygotes.

Submissions (4):

Labcorp Genetics (formerly Invitae), Labcorp
Classification: Uncertain significance. Last evaluated: 2025-05-12. Review status: criteria provided, single submitter. Criteria: Invitae Variant Classification Sherloc (09022015). Collection method: clinical testing. Allele origin: germline.
Comment: This sequence change replaces phenylalanine, which is neutral and non-polar, with leucine, which is neutral and non-polar, at codon 1337 of the ITPR1 protein (p.Phe1337Leu). This variant is present in population databases (no rsID available, gnomAD 0.003%). This variant has not been reported in the literature in individuals affected with ITPR1-related conditions. ClinVar contains an entry for this variant (Variation ID: 435538). Invitae Evidence Modeling of protein sequence and biophysical properties (such as structural, functional, and spatial information, amino acid conservation, physicochemical variation, residue mobility, and thermodynamic stability) indicates that this missense variant is not expected to disrupt ITPR1 protein function with a negative predictive value of 80%. In summary, the available evidence is currently insufficient to determine the role of this variant in disease. Therefore, it has been classified as a Variant of Uncertain Significance.

Athena Diagnostics
Classification: Uncertain significance. Last evaluated: 2024-05-15. Review status: criteria provided, single submitter. Criteria: Athena Diagnostics Criteria. Collection method: clinical testing. Allele origin: unknown.
Comment: Available data are insufficient to determine the clinical significance of the variant at this time. The frequency of this variant in the general population is uninformative in assessment of its pathogenicity. Polyphen and MutationTaster yielded discordant predictions regarding whether this amino acid change is damaging to the protein.

Ambry Genetics
Classification: Uncertain significance for Inborn genetic diseases. Last evaluated: 2023-02-22. Review status: criteria provided, single submitter. Criteria: Ambry Variant Classification Scheme 2023. Collection method: clinical testing. Allele origin: germline.

Genetic Services Laboratory, University of Chicago
Classification: Uncertain significance. Last evaluated: 2016-06-29. Review status: criteria provided, single submitter. Criteria: ACMG Guidelines, 2015. Collection method: clinical testing. Allele origin: germline. Affected: no.

NM_001378452.1(ITPR1):c.4083C>A (p.Phe1361Leu)

Gene: ITPR1 (inositol 1,4,5-trisphosphate receptor type 1; plus strand). Cytogenetic location: 3p26.1.
Variant type: single nucleotide variant.
Coding change: c.4083C>A on transcript NM_001378452.1 (MANE Select); coding-DNA position 4083, C replaced by A.
Protein change: p.Phe1361Leu; replaces phenylalanine 1361 with leucine.
Molecular consequence: missense variant.
Genome position (GRCh38, 1-based): chr3:4,693,543, C>A. VCF-style: chr3-4693543-C-A. GRCh37 (hg19) VCF-style: chr3-4735227-C-A.
Other names: c.4056C>A, p.Phe1352Leu (NM_001099952.4); c.4038C>A, p.Phe1346Leu (NM_001168272.2); c.4011C>A, p.Phe1337Leu (NM_002222.7); c.4038C>A (NM_001168272.1); short protein forms F1337L, F1346L, F1352L, F1361L.
Identifiers: ClinVar variation 435538 (VCV000435538.14), dbSNP rs763239856, ClinGen allele CA351631427.